The following is an entry in ClinVar:

ClinVar aggregate classification (germline): Uncertain significance (1 of 4 stars; one submission).

Allele frequency attached by ClinVar (database versions not stated): gnomAD exomes below 0.00001 and 0.00001.
gnomAD v4.1: 6 of 1,600,988 alleles (0.00037%); highest among the groups gnomAD compares: Admixed American, 0.0051%; no homozygotes.

Submission:

Labcorp Genetics (formerly Invitae), Labcorp
Classification: Uncertain significance. Last evaluated: 2024-11-05. Review status: criteria provided, single submitter. Criteria: Invitae Variant Classification Sherloc (09022015). Collection method: clinical testing. Allele origin: germline.
Comment: This sequence change replaces serine, which is neutral and polar, with arginine, which is basic and polar, at codon 5736 of the ADGRV1 protein (p.Ser5736Arg). This variant is present in population databases (no rsID available, gnomAD 0.009%). This variant has not been reported in the literature in individuals affected with ADGRV1-related conditions. ClinVar contains an entry for this variant (Variation ID: 1026570). An algorithm developed to predict the effect of missense changes on protein structure and function (PolyPhen-2) suggests that this variant is likely to be tolerated. In summary, the available evidence is currently insufficient to determine the role of this variant in disease. Therefore, it has been classified as a Variant of Uncertain Significance.

NM_032119.4(ADGRV1):c.17208C>A (p.Ser5736Arg)

Gene: ADGRV1 (adhesion G protein-coupled receptor V1; plus strand). Cytogenetic location: 5q14.3.
Variant type: single nucleotide variant.
Coding change: c.17208C>A on transcript NM_032119.4 (MANE Select); coding-DNA position 17208, C replaced by A.
Protein change: p.Ser5736Arg; replaces serine 5736 with arginine.
Molecular consequence: missense variant. On other transcripts: non-coding transcript variant (1).
Genome position (GRCh38, 1-based): chr5:90,853,287, C>A. VCF-style: chr5-90853287-C-A. GRCh37 (hg19) VCF-style: chr5-90149104-C-A.
Other names: short protein forms S5736R.
Identifiers: ClinVar variation 1026570 (VCV001026570.10), dbSNP rs1414832809, ClinGen allele CA360429845.